The following is an entry in ClinVar:

ClinVar aggregate classification (germline): Pathogenic/Likely pathogenic. Review status: criteria provided, multiple submitters, no conflicts (2 of 4 stars). 2 submissions from 2 submitters: Pathogenic (1); Likely pathogenic (1). Last evaluated 2024-05-14.

Conditions:
Joubert syndrome. Also called: CEREBELLOPARENCHYMAL DISORDER IV; JOUBERT-BOLTSHAUSER SYNDROME; Familial aplasia of the vermis. Identifiers: Orphanet 475, MedGen C5979921, MONDO:0018772.
Nephronophthisis. Also called: Juvenile Nephronophthisis. Identifiers: Orphanet 655, MedGen C0687120, MONDO:0019005, HP:0000090.
Meckel-Gruber syndrome. Also called: DYSENCEPHALIA SPLANCHNOCYSTICA; GRUBER SYNDROME; Dysencephalia splachnocystica. Identifiers: Orphanet 564, MedGen C0265215, MONDO:0018921.
Joubert syndrome 5 (JBTS5). Identifiers: Orphanet 2318, MedGen C1857780, MONDO:0012432, OMIM 610188.
Senior-Loken syndrome 6 (SLSN6). Identifiers: Orphanet 3156, MedGen C1857779, MONDO:0012433, OMIM 610189.
Bardet-Biedl syndrome 14 (BBS14). Identifiers: Orphanet 110, MedGen C2673874, MONDO:0014442, OMIM 615991.
Leber congenital amaurosis 10 (LCA10). Identifiers: Orphanet 65, MedGen C1857821, MONDO:0012723, OMIM 611755.
Meckel syndrome, type 4 (MKS4). Also called: MECKEL-GRUBER SYNDROME, TYPE 4. Identifiers: Orphanet 564, MedGen C1970161, MONDO:0012626, OMIM 611134.

Submissions (2):

Fulgent Genetics
Classification: Likely pathogenic for Joubert syndrome 5; Senior-Loken syndrome 6; Meckel syndrome, type 4; Leber congenital amaurosis 10; Bardet-Biedl syndrome 14. Last evaluated: 2024-05-14. Review status: criteria provided, single submitter. Criteria: ACMG Guidelines, 2015. Collection method: clinical testing. Allele origin: germline.

Labcorp Genetics (formerly Invitae), Labcorp
Classification: Pathogenic for Joubert syndrome; Meckel-Gruber syndrome; Nephronophthisis. Last evaluated: 2023-04-06. Review status: criteria provided, single submitter. Criteria: Invitae Variant Classification Sherloc (09022015). Collection method: clinical testing. Allele origin: germline.
Comment: This sequence change creates a premature translational stop signal (p.Gln1193*) in the CEP290 gene. It is expected to result in an absent or disrupted protein product. Loss-of-function variants in CEP290 are known to be pathogenic (PMID: 16909394, 17345604, 20690115). For these reasons, this variant has been classified as Pathogenic. This variant has not been reported in the literature in individuals affected with CEP290-related conditions. This variant is not present in population databases (gnomAD no frequency).

Literature cited by the submitters: PubMed 16909394 (cited by Labcorp Genetics (formerly Invitae), Labcorp); PubMed 17345604 (cited by Labcorp Genetics (formerly Invitae), Labcorp); PubMed 20690115 (cited by Labcorp Genetics (formerly Invitae), Labcorp).

NM_025114.4(CEP290):c.3577C>T (p.Gln1193Ter)

Gene: CEP290 (centrosomal protein 290; minus strand). Cytogenetic location: 12q21.32.
Variant type: single nucleotide variant.
Coding change: c.3577C>T on transcript NM_025114.4 (MANE Select); coding-DNA position 3577, C replaced by T.
Protein change: p.Gln1193Ter; replaces glutamine 1193 with a stop codon.
Molecular consequence: nonsense.
Genome position (GRCh38, 1-based): chr12:88,089,484, G>A on the plus strand (C>T on the coding strand, the complement: CEP290 is on the minus strand). VCF-style: chr12-88089484-G-A. GRCh37 (hg19) VCF-style: chr12-88483261-G-A.
Other names: short protein forms Q1193*.
Identifiers: ClinVar variation 2938883 (VCV002938883.4), dbSNP rs2500121621, ClinGen allele CA386001394.